The following is an entry in ClinVar:

NM_017841.4(SDHAF2):c.36+17T>C

Gene: SDHAF2 (succinate dehydrogenase complex assembly factor 2; plus strand). Cytogenetic location: 11q12.2.
Variant type: single nucleotide variant.
Coding change: c.36+17T>C on transcript NM_017841.4 (MANE Select); 17 bases into the intron after coding-DNA position 36, T replaced by C.
Molecular consequence: intron variant.
Genome position (GRCh38, 1-based): chr11:61,430,199, T>C. VCF-style: chr11-61430199-T-C. GRCh37 (hg19) VCF-style: chr11-61197671-T-C.
Identifiers: ClinVar variation 260943 (VCV000260943.10), dbSNP rs201389647, ClinGen allele CA058605.

ClinVar aggregate classification (germline): Benign/Likely benign. Review status: criteria provided, multiple submitters, no conflicts (2 of 4 stars). 4 submissions from 4 submitters: Benign (2); Likely benign (2). Last evaluated 2026-02-03.

Conditions:
Hereditary pheochromocytoma and paraganglioma. Also called: Hereditary Paraganglioma-Pheochromocytoma Syndromes; Hereditary paragangliomas and pheochromocytomas; Hereditary pheochromocytoma-paraganglioma. Identifiers: Orphanet 29072, MedGen C4274332, MONDO:0017366.

Allele frequency attached by ClinVar (database versions not stated): gnomAD exomes 0.00132; ExAC 0.00139; ESP Exome Variant Server 0.00392; gnomAD 0.00426 and 0.00460; TOPMed 0.00536; 1000 Genomes Project 30x 0.00578; 1000 Genomes Project 0.00579.
gnomAD v4.1: 1,331 of 1,614,176 alleles (0.082%); highest among the groups gnomAD compares: African/African-American, 1.5%; 7 homozygotes.

Submissions (4):

Labcorp Genetics (formerly Invitae), Labcorp
Classification: Benign for Hereditary pheochromocytoma and paraganglioma. Last evaluated: 2026-02-03. Review status: criteria provided, single submitter. Criteria: Invitae Variant Classification Sherloc (09022015). Collection method: clinical testing. Allele origin: germline.

Blueprint Genetics
Classification: Likely benign. Last evaluated: 2024-11-13. Review status: criteria provided, single submitter. Criteria: ACMG Guidelines, 2015. Collection method: clinical testing. Allele origin: germline.

GeneDx
Classification: Likely benign. Last evaluated: 2017-06-15. Review status: criteria provided, single submitter. Criteria: GeneDx Variant Classification (06012015). Collection method: clinical testing. Allele origin: germline. Affected: yes.
Comment: This variant is considered likely benign or benign based on one or more of the following criteria: it is a conservative change, it occurs at a poorly conserved position in the protein, it is predicted to be benign by multiple in silico algorithms, and/or has population frequency not consistent with disease.

PreventionGenetics, part of Exact Sciences
Classification: Benign. Review status: criteria provided, single submitter. Criteria: ACMG Guidelines, 2015. Collection method: clinical testing. Allele origin: germline.